The following is an entry in ClinVar:

NM_001161352.2(KCNMA1):c.*488C>A

Gene: KCNMA1 (potassium calcium-activated channel subfamily M alpha 1; minus strand). Cytogenetic location: 10q22.3.
Variant type: single nucleotide variant.
Coding change: c.*488C>A on transcript NM_001161352.2 (MANE Select); 488 bases downstream of the stop codon, C replaced by A.
Molecular consequence: 3 prime UTR variant. On other transcripts: intron variant (7).
Genome position (GRCh38, 1-based): chr10:76,886,778, G>T on the plus strand (C>A on the coding strand, the complement: KCNMA1 is on the minus strand). VCF-style: chr10-76886778-G-T. GRCh37 (hg19) VCF-style: chr10-78646536-G-T.
Other names: c.*488C>A (NM_001161353.2, NM_001271519.2, NM_001322836.2 and 2 more transcripts); c.3362+513C>A (NM_001271518.2); c.3512+513C>A (NM_001322832.2); c.3521+513C>A (NM_001322829.2); c.3524+513C>A (NM_001014797.3); c.3605+513C>A (NM_001322835.2); c.3614+513C>A (NM_001322830.2); c.3059+513C>A (NM_001322838.2).
Identifiers: ClinVar variation 300951 (VCV000300951.6), dbSNP rs2116830, ClinGen allele CA10632322.
Genomic context (GRCh38, chr10:76,886,778, plus strand): 5'-ATGCTTCGCAATACTTCGGCCCAGAGACTGGAAACAATCAATATGTTTTCATTGCTGTTT[G>T]GTTGCTTGTTTCAAATAAACATGTGCTAACTTATTGTGTGTATAAAAAAAGAAAGAAAGG-3'

ClinVar aggregate classification (germline): Benign. Review status: criteria provided, multiple submitters, no conflicts (2 of 4 stars). 2 submissions from 2 submitters: Benign (2). Last evaluated 2018-01-13.

Conditions:
Generalized epilepsy-paroxysmal dyskinesia syndrome (PNKD3). Also called: Paroxysmal nonkinesigenic dyskinesia, 3, with or without generalized epilepsy; Generalized epilepsy and paroxysmal dyskinesia. Identifiers: Orphanet 79137, MedGen C5574945, MONDO:0012276, OMIM 609446.

Allele frequency attached by ClinVar (database versions not stated): TOPMed 0.13371; gnomAD 0.13541 and 0.13876; gnomAD exomes 0.19138; 1000 Genomes Project 0.07029; 1000 Genomes Project 30x 0.07324.
gnomAD v4.1: 187,171 of 1,025,966 alleles (18%); highest among the groups gnomAD compares: Non-Finnish European, 20%; 18,376 homozygotes.

Submissions (2):

Illumina Laboratory Services, Illumina
Classification: Benign for Generalized epilepsy-paroxysmal dyskinesia syndrome. Last evaluated: 2018-01-13. Review status: criteria provided, single submitter. Criteria: ICSL Variant Classification Criteria 13 December 2019. Collection method: clinical testing. Allele origin: germline.
Comment: This variant was observed in the ICSL laboratory as part of a predisposition screen in an ostensibly healthy population. It had not been previously curated by ICSL or reported in the Human Gene Mutation Database (HGMD: prior to June 1st, 2018), and was therefore a candidate for classification through an automated scoring system. Utilizing variant allele frequency, disease prevalence and penetrance estimates, and inheritance mode, an automated score was calculated to assess if this variant is too frequent to cause the disease. Based on the score and internal cut-off values, a variant classified as benign is not then subjected to further curation. The score for this variant resulted in a classification of benign for this disease.

Breakthrough Genomics
Classification: Benign. Review status: criteria provided, single submitter. Criteria: ACMG Guidelines, 2015. Collection method: not provided. Allele origin: germline. Inheritance: Autosomal recessive inheritance. Affected: yes.